The following is an entry in ClinVar:

NM_019066.5(MAGEL2):c.3500T>C (p.Leu1167Pro)

Gene: MAGEL2 (MAGE family member L2; minus strand). Cytogenetic location: 15q11.2.
Variant type: single nucleotide variant.
Coding change: c.3500T>C on transcript NM_019066.5 (MANE Select); coding-DNA position 3500, T replaced by C.
Protein change: p.Leu1167Pro; replaces leucine 1167 with proline.
Molecular consequence: missense variant.
Genome position (GRCh38, 1-based): chr15:23,644,243, A>G on the plus strand (T>C on the coding strand, the complement: MAGEL2 is on the minus strand). VCF-style: chr15-23644243-A-G. GRCh37 (hg19) VCF-style: chr15-23889390-A-G.
Other names: short protein forms L1167P.
Identifiers: ClinVar variation 2635098 (VCV002635098.1), dbSNP rs1890340774, ClinGen allele CA391322823.

ClinVar aggregate classification (germline): Uncertain significance (1 of 4 stars; one submission).

Conditions:
MAGEL2-related disorder. Also called: MAGEL2-related condition.

Allele frequency attached by ClinVar (database versions not stated): gnomAD exomes below 0.00001; TOPMed below 0.00001.
gnomAD v4.1: 2 of 1,613,828 alleles (0.00012%); highest among the groups gnomAD compares: Non-Finnish European, 0.00017%; no homozygotes.

Submission:

PreventionGenetics, part of Exact Sciences
Classification: Uncertain significance for MAGEL2-related condition. Last evaluated: 2022-10-24. Review status: criteria provided, single submitter. Criteria: ACMG Guidelines, 2015. Collection method: clinical testing. Allele origin: germline.
Comment: The MAGEL2 c.3500T>C variant is predicted to result in the amino acid substitution p.Leu1167Pro. To our knowledge, this variant has not been reported in the literature or in a large population database, indicating this variant is rare. At this time, the clinical significance of this variant is uncertain due to the absence of conclusive functional and genetic evidence.